The following is an entry in ClinVar:

NM_000360.4(TH):c.841+1G>T

Gene: TH (tyrosine hydroxylase; minus strand). Cytogenetic location: 11p15.5.
Variant type: single nucleotide variant.
Coding change: c.841+1G>T on transcript NM_000360.4 (MANE Select); the canonical splice donor site of the intron after coding-DNA position 841, G replaced by T.
Molecular consequence: splice donor variant.
Genome position (GRCh38, 1-based): chr11:2,166,886, C>A on the plus strand (G>T on the coding strand, the complement: TH is on the minus strand). VCF-style: chr11-2166886-C-A. GRCh37 (hg19) VCF-style: chr11-2188116-C-A.
Other names: c.922+1G>T (NM_199293.3); c.934+1G>T (NM_199292.3).
Identifiers: ClinVar variation 1510131 (VCV001510131.6), dbSNP rs2133693369, ClinGen allele CA379126474.

ClinVar aggregate classification (germline): Likely pathogenic (1 of 4 stars; one submission).

Conditions:
TH-deficient dopa-responsive dystonia. Also called: Tyrosine Hydroxylase-Deficient Dopa-Responsive Dystonia; Segawa syndrome, autosomal recessive; DYT-TH. Identifiers: Orphanet 101150, MedGen C2673535, MONDO:0011551, OMIM 605407.

Submission:

Labcorp Genetics (formerly Invitae), Labcorp
Classification: Likely pathogenic for TH-deficient dopa-responsive dystonia. Last evaluated: 2021-12-12. Review status: criteria provided, single submitter. Criteria: Invitae Variant Classification Sherloc (09022015). Collection method: clinical testing. Allele origin: germline.
Comment: In summary, the currently available evidence indicates that the variant is pathogenic, but additional data are needed to prove that conclusively. Therefore, this variant has been classified as Likely Pathogenic. Algorithms developed to predict the effect of sequence changes on RNA splicing suggest that this variant may disrupt the consensus splice site. This variant has not been reported in the literature in individuals affected with TH-related conditions. This variant is not present in population databases (gnomAD no frequency). This sequence change affects a donor splice site in intron 8 of the TH gene. It is expected to disrupt RNA splicing. Variants that disrupt the donor or acceptor splice site typically lead to a loss of protein function (PMID: 16199547), and loss-of-function variants in TH are known to be pathogenic (PMID: 22264700, 24753243).

Literature cited by the submitters: PubMed 16199547; PubMed 22264700; PubMed 24753243.